The following is an entry in ClinVar:

NM_000498.3(CYP11B2):c.1450del (p.Val484fs)

Genes: CYP11B2 (cytochrome P450 family 11 subfamily B member 2; minus strand), LOC106799834 (CYP11B2 recombination region; plus strand). Cytogenetic location: 8q24.3.
Variant type: Deletion.
Coding change: c.1450del on transcript NM_000498.3 (MANE Select); coding-DNA position 1450, one base deleted (G; older notation c.1450delG).
Protein change: p.Val484fs; shifts the reading frame from valine 484.
Molecular consequence: frameshift variant.
Genome position (GRCh38, 1-based): chr8:142,912,042, C deleted on the plus strand (G on the coding strand, the reverse complement: CYP11B2 is on the minus strand); the first of 2 consecutive C bases (chr8:142,912,042-142,912,043); deleting either gives the same sequence. VCF-style (leftmost placement, unchanged base first): chr8-142912041-AC-A. GRCh37 (hg19) VCF-style: chr8-143993457-AC-A.
Other names: c.1450delG (NM_000498.3); short protein forms V484fs.
Identifiers: ClinVar variation 4818600 (VCV004818600.1).

ClinVar aggregate classification (germline): Likely pathogenic (1 of 4 stars; one submission).

Conditions:
Corticosterone methyl oxidase type II deficiency.

Submission:

Natera, Inc.
Classification: Likely pathogenic for Corticosterone methyl oxidase type II deficiency. Last evaluated: 2025-07-17. Review status: criteria provided, single submitter. Criteria: Natera Variant Classification Schema (03/2026). Collection method: clinical testing. Allele origin: germline.
Comment: The c.1450delG variant in CYP11B2 is a frameshift variant predicted to shift the reading frame beginning at codon 484 and leads to a stop codon 6 codons downstream. This variant is expected to result in nonsense mediated decay, truncation, or a dysfunctional protein product. This variant is rare in the general population with a frequency below the threshold expected for the associated phenotype(s). Given the available evidence, this variant is classified as Likely Pathogenic.